The following is an entry in ClinVar:

NM_024596.5(MCPH1):c.1243T>G (p.Tyr415Asp)

Gene: MCPH1 (microcephalin 1; plus strand). Cytogenetic location: 8p23.1.
Variant type: single nucleotide variant.
Coding change: c.1243T>G on transcript NM_024596.5 (MANE Select); coding-DNA position 1243, T replaced by G.
Protein change: p.Tyr415Asp; replaces tyrosine 415 with aspartic acid.
Molecular consequence: missense variant. On other transcripts: non-coding transcript variant (1).
Genome position (GRCh38, 1-based): chr8:6,444,965, T>G. VCF-style: chr8-6444965-T-G. GRCh37 (hg19) VCF-style: chr8-6302486-T-G.
Other names: c.1099T>G, p.Tyr367Asp (NM_001172575.2); c.1243T>G, p.Tyr415Asp (NM_001322042.2, NM_001363979.1, NM_001363980.2 and 3 more transcripts); c.1237T>G, p.Tyr413Asp (NM_001322043.2); c.1141T>G, p.Tyr381Asp (NM_001322045.2); c.1243T>G (NM_024596.3); short protein forms Y415D, Y381D, Y367D, Y413D.
Identifiers: ClinVar variation 1966836 (VCV001966836.3), dbSNP rs1226568057, ClinGen allele CA370221232.

ClinVar aggregate classification (germline): Uncertain significance. Review status: criteria provided, multiple submitters, no conflicts (2 of 4 stars). 2 submissions from 2 submitters: Uncertain significance (2). Last evaluated 2025-08-11.

Conditions:
Inborn genetic diseases. Identifiers: MedGen C0950123, MeSH D030342.

Allele frequency attached by ClinVar (database versions not stated): TOPMed 0.00001.

Submissions (2):

Ambry Genetics
Classification: Uncertain significance for Inborn genetic diseases. Last evaluated: 2025-08-11. Review status: criteria provided, single submitter. Criteria: Ambry Variant Classification Scheme 2023. Collection method: clinical testing. Allele origin: germline.

Labcorp Genetics (formerly Invitae), Labcorp
Classification: Uncertain significance. Last evaluated: 2022-08-08. Review status: criteria provided, single submitter. Criteria: Invitae Variant Classification Sherloc (09022015). Collection method: clinical testing. Allele origin: germline.
Comment: This sequence change replaces tyrosine, which is neutral and polar, with aspartic acid, which is acidic and polar, at codon 415 of the MCPH1 protein (p.Tyr415Asp). This variant is not present in population databases (gnomAD no frequency). This variant has not been reported in the literature in individuals affected with MCPH1-related conditions. Algorithms developed to predict the effect of missense changes on protein structure and function are either unavailable or do not agree on the potential impact of this missense change (SIFT: "Not Available"; PolyPhen-2: "Probably Damaging"; Align-GVGD: "Not Available"). In summary, the available evidence is currently insufficient to determine the role of this variant in disease. Therefore, it has been classified as a Variant of Uncertain Significance.